The following is an entry in ClinVar:

ClinVar aggregate classification (germline): Uncertain significance (1 of 4 stars; one submission).

gnomAD v4.1: 1 of 1,614,056 alleles (0.000062%); highest among the groups gnomAD compares: South Asian, 0.0011%; no homozygotes.

Submission:

GeneDx
Classification: Uncertain significance. Last evaluated: 2025-03-07. Review status: criteria provided, single submitter. Criteria: GeneDx Variant Classification Process June 2021. Collection method: clinical testing. Allele origin: germline. Affected: yes.
Comment: Not observed at significant frequency in large population cohorts (gnomAD); In silico analysis supports that this missense variant has a deleterious effect on protein structure/function; Has not been previously published as pathogenic or benign to our knowledge

NM_005859.5(PURA):c.628G>A (p.Gly210Arg)

Gene: PURA (purine rich element binding protein A; plus strand). Cytogenetic location: 5q31.3.
Variant type: single nucleotide variant.
Coding change: c.628G>A on transcript NM_005859.5 (MANE Select); coding-DNA position 628, G replaced by A.
Protein change: p.Gly210Arg; replaces glycine 210 with arginine.
Molecular consequence: missense variant.
Genome position (GRCh38, 1-based): chr5:140,114,809, G>A. VCF-style: chr5-140114809-G-A. GRCh37 (hg19) VCF-style: chr5-139494394-G-A.
Other names: short protein forms G210R.
Identifiers: ClinVar variation 4082817 (VCV004082817.1).